The following is an entry in ClinVar:

NM_001005242.3(PKP2):c.2094C>A (p.Asp698Glu)

Gene: PKP2 (plakophilin 2; minus strand). Cytogenetic location: 12p11.21.
Variant type: single nucleotide variant.
Coding change: c.2094C>A on transcript NM_001005242.3 (MANE Select); coding-DNA position 2094, C replaced by A.
Protein change: p.Asp698Glu; replaces aspartic acid 698 with glutamic acid.
Molecular consequence: missense variant.
Genome position (GRCh38, 1-based): chr12:32,802,476, G>T on the plus strand (C>A on the coding strand, the complement: PKP2 is on the minus strand). VCF-style: chr12-32802476-G-T. GRCh37 (hg19) VCF-style: chr12-32955410-G-T.
Other names: c.2094C>A, p.Asp698Glu (NM_001407155.1); c.1929C>A, p.Asp643Glu (NM_001407156.1); c.1767C>A, p.Asp589Glu (NM_001407158.1, NM_001407159.1, NM_001407160.1); c.2226C>A, p.Asp742Glu (NM_004572.4); short protein forms D643E, D742E, D589E, D698E.
Identifiers: ClinVar variation 4735253 (VCV004735253.2).

ClinVar aggregate classification (germline): Uncertain significance. Review status: criteria provided, multiple submitters, no conflicts (2 of 4 stars). 2 submissions from 2 submitters: Uncertain significance (2). Last evaluated 2025-10-21.

Conditions:
Arrhythmogenic right ventricular dysplasia 9 (ARVD9). Also called: ARRHYTHMOGENIC RIGHT VENTRICULAR DYSPLASIA, FAMILIAL, 9; Arrhythmogenic Right Ventricular Dysplasia/Cardiomyopathy 9. Identifiers: MedGen C1836906, MONDO:0012180, OMIM 609040.

Submissions (2):

Labcorp Genetics (formerly Invitae), Labcorp
Classification: Uncertain significance for Arrhythmogenic right ventricular dysplasia 9. Last evaluated: 2025-10-21. Review status: criteria provided, single submitter. Criteria: Invitae Variant Classification Sherloc (09022015). Collection method: clinical testing. Allele origin: germline.
Comment: This sequence change replaces aspartic acid, which is acidic and polar, with glutamic acid, which is acidic and polar, at codon 742 of the PKP2 protein (p.Asp742Glu). This variant is not present in population databases (gnomAD no frequency). This variant has not been reported in the literature in individuals affected with PKP2-related conditions. An algorithm developed to predict the effect of missense changes on protein structure and function (PolyPhen-2) suggests that this variant is likely to be disruptive. In summary, the available evidence is currently insufficient to determine the role of this variant in disease. Therefore, it has been classified as a Variant of Uncertain Significance.

Blueprint Genetics
Classification: Uncertain significance. Last evaluated: 2021-09-01. Review status: criteria provided, single submitter. Criteria: ACMG Guidelines, 2015. Collection method: clinical testing. Allele origin: germline.